The following is an entry in ClinVar:

ClinVar aggregate classification (germline): Pathogenic (1 of 4 stars; one submission).

Submission:

Labcorp Genetics (formerly Invitae), Labcorp
Classification: Pathogenic. Last evaluated: 2025-06-22. Review status: criteria provided, single submitter. Criteria: Invitae Variant Classification Sherloc (09022015). Collection method: clinical testing. Allele origin: germline.
Comment: This sequence change creates a premature translational stop signal (p.Ser350Ilefs*2) in the ASAH1 gene. While this is not anticipated to result in nonsense mediated decay, it is expected to disrupt the last 46 amino acid(s) of the ASAH1 protein. This variant is not present in population databases (gnomAD no frequency). This variant has not been reported in the literature in individuals affected with ASAH1-related conditions. This variant disrupts a region of the ASAH1 protein in which other variant(s) (p.Pro362Arg) have been determined to be pathogenic (PMID: 10610716, 24164096). This suggests that this is a clinically significant region of the protein, and that variants that disrupt it are likely to be disease-causing. For these reasons, this variant has been classified as Pathogenic.

Literature cited by the submitters: PubMed 10610716; PubMed 24164096.

NM_177924.5(ASAH1):c.1048_1049del (p.Ser350fs)

Gene: ASAH1 (N-acylsphingosine amidohydrolase 1; minus strand). Cytogenetic location: 8p22.
Variant type: Microsatellite.
Coding change: c.1048_1049del on transcript NM_177924.5 (MANE Select); coding-DNA positions 1048 to 1049, 2 bases deleted (TC; older notation c.1048_1049delTC).
Protein change: p.Ser350fs; shifts the reading frame from serine 350.
Molecular consequence: frameshift variant.
Genome position (GRCh38, 1-based): chr8:18,058,884-18,058,885, GA deleted on the plus strand (TC on the coding strand, the reverse complement: ASAH1 is on the minus strand); deleting any 2 consecutive bases within chr8:18,058,884-18,058,887 gives the same sequence; the c. name uses the placement nearest the transcript's 3' end. VCF-style (leftmost placement, unchanged base first): chr8-18058883-TGA-T. GRCh37 (hg19) VCF-style: chr8-17916392-TGA-T.
Other names: c.1030_1031del, p.Ser344fs (NM_001127505.3); c.853_854del, p.Ser285fs (NM_001363743.2); c.1096_1097del, p.Ser366fs (NM_004315.6); short protein forms S366fs, S344fs, S350fs, S285fs.
Identifiers: ClinVar variation 1455993 (VCV001455993.6), dbSNP rs2117015674, ClinGen allele CA2580614307.